The following is an entry in ClinVar:

ClinVar aggregate classification (germline): Conflicting classifications of pathogenicity. Review status: criteria provided, conflicting classifications (1 of 4 stars). 4 submissions from 4 submitters: Uncertain significance (2); Likely benign (2). Last evaluated 2024-07-31.

Conditions:
Arrhythmogenic right ventricular cardiomyopathy (ARVD). Also called: Arrhythmogenic cardiomyopathy; Cardiomyopathy, ARVC; Arrhythmogenic right ventricular dysplasia; Arrhythmogenic Right Ventricular Cardiomyopathy (ARVC). Identifiers: Orphanet 247, MedGen C0349788, MeSH D019571, MONDO:0016587. Disease mechanism: loss of function. Inheritance: Various modes of inheritance.
Cardiomyopathy (CMYO). Also called: Cardiomyopathies. Identifiers: Orphanet 167848, MedGen C0878544, MONDO:0004994, HP:0001638. Inheritance: Various modes of inheritance.
Cardiovascular phenotype. Identifiers: MedGen CN230736.
Arrhythmogenic right ventricular dysplasia 9 (ARVD9). Also called: Arrhythmogenic Right Ventricular Dysplasia/Cardiomyopathy 9; ARRHYTHMOGENIC RIGHT VENTRICULAR DYSPLASIA, FAMILIAL, 9. Identifiers: MedGen C1836906, MONDO:0012180, OMIM 609040.

Allele frequency attached by ClinVar (database versions not stated): ExAC 0.00002; TOPMed 0.00010.
gnomAD v4.1: 11 of 1,613,794 alleles (0.00068%); highest among the groups gnomAD compares: East Asian, 0.02%; no homozygotes.

Submissions (4):

Color Diagnostics, LLC DBA Color Health
Classification: Likely benign for Cardiomyopathy. Last evaluated: 2024-07-31. Review status: criteria provided, single submitter. Criteria: ACMG Guidelines, 2015. Collection method: clinical testing. Allele origin: germline.

All of Us Research Program, National Institutes of Health
Classification: Uncertain significance for Arrhythmogenic right ventricular cardiomyopathy. Last evaluated: 2023-11-30. Review status: criteria provided, single submitter. Criteria: ACMG Guidelines, 2015. Collection method: clinical testing. Allele origin: germline. Inheritance: Autosomal dominant inheritance. Observed: 6 variant alleles, 6 heterozygotes.
Comment: This missense variant replaces proline with arginine at codon 665 of the PKP2 protein. Computational prediction suggests that this variant may have deleterious impact on protein structure and function (internally defined REVEL score threshold >= 0.7, PMID: 27666373). To our knowledge, functional studies have not been reported for this variant. This variant has not been reported in individuals affected with cardiovascular disorders in the literature. This variant has been identified in 14/282720 chromosomes in the general population by the Genome Aggregation Database (gnomAD). The available evidence is insufficient to determine the role of this variant in disease conclusively. Therefore, this variant is classified as a Variant of Uncertain Significance.

This study involves interpretation of variants in research participants for the purpose of population health screening. Participant phenotype was not available at the time of variant classification. Additional details can be found in publication PMID: 35346344, PMCID: PMC8962531

Ambry Genetics
Classification: Likely benign for Cardiovascular phenotype. Last evaluated: 2023-06-26. Review status: criteria provided, single submitter. Criteria: Ambry Variant Classification Scheme 2023. Collection method: clinical testing. Allele origin: germline.

Labcorp Genetics (formerly Invitae), Labcorp
Classification: Uncertain significance for Arrhythmogenic right ventricular dysplasia 9. Last evaluated: 2022-10-25. Review status: criteria provided, single submitter. Criteria: Invitae Variant Classification Sherloc (09022015). Collection method: clinical testing. Allele origin: germline.
Comment: This sequence change replaces proline, which is neutral and non-polar, with arginine, which is basic and polar, at codon 665 of the PKP2 protein (p.Pro665Arg). This variant is present in population databases (rs773061639, gnomAD 0.07%), and has an allele count higher than expected for a pathogenic variant. This missense change has been observed in individual(s) with clinical features of PKP2-related conditions (PMID: 24125834, 31983221). ClinVar contains an entry for this variant (Variation ID: 927402). Algorithms developed to predict the effect of missense changes on protein structure and function (SIFT, PolyPhen-2, Align-GVGD) all suggest that this variant is likely to be tolerated. In summary, the available evidence is currently insufficient to determine the role of this variant in disease. Therefore, it has been classified as a Variant of Uncertain Significance.

Literature cited by the submitters: PubMed 24125834 (cited by Ambry Genetics and Labcorp Genetics (formerly Invitae), Labcorp); PubMed 31983221 (cited by Ambry Genetics and Labcorp Genetics (formerly Invitae), Labcorp).

NM_001005242.3(PKP2):c.1862C>G (p.Pro621Arg)

Gene: PKP2 (plakophilin 2; minus strand). Cytogenetic location: 12p11.21.
Variant type: single nucleotide variant.
Coding change: c.1862C>G on transcript NM_001005242.3 (MANE Select); coding-DNA position 1862, C replaced by G.
Protein change: p.Pro621Arg; replaces proline 621 with arginine.
Molecular consequence: missense variant.
Genome position (GRCh38, 1-based): chr12:32,821,507, G>C on the plus strand (C>G on the coding strand, the complement: PKP2 is on the minus strand). VCF-style: chr12-32821507-G-C. GRCh37 (hg19) VCF-style: chr12-32974441-G-C.
Other names: c.1994C>G, p.Pro665Arg (NM_004572.4); short protein forms P621R, P665R.
Identifiers: ClinVar variation 927402 (VCV000927402.9), dbSNP rs773061639, ClinGen allele CA032103.